The following is an entry in ClinVar:

NM_021625.5(TRPV4):c.508C>T (p.Leu170Phe)

Gene: TRPV4 (transient receptor potential cation channel subfamily V member 4; minus strand). Cytogenetic location: 12q24.11.
Variant type: single nucleotide variant.
Coding change: c.508C>T on transcript NM_021625.5 (MANE Select); coding-DNA position 508, C replaced by T.
Protein change: p.Leu170Phe; replaces leucine 170 with phenylalanine.
Molecular consequence: missense variant.
Genome position (GRCh38, 1-based): chr12:109,808,347, G>A on the plus strand (C>T on the coding strand, the complement: TRPV4 is on the minus strand). VCF-style: chr12-109808347-G-A. GRCh37 (hg19) VCF-style: chr12-110246152-G-A.
Other names: c.508C>T, p.Leu170Phe (NM_001177428.2, NM_001177433.2, NM_147204.3); c.406C>T, p.Leu136Phe (NM_001177431.2); short protein forms L136F, L170F.
Identifiers: ClinVar variation 1498778 (VCV001498778.8), dbSNP rs2136607765, ClinGen allele CA386657054.

ClinVar aggregate classification (germline): Uncertain significance (1 of 4 stars; one submission).

Conditions:
Charcot-Marie-Tooth disease axonal type 2C (HMSN2C). Also called: CHARCOT-MARIE-TOOTH DISEASE, AXONAL, AUTOSOMAL DOMINANT, TYPE 2C; Charcot-Marie-Tooth Neuropathy Type 2C; Charcot-Marie-Tooth Disease Type 2, TRPV4-Related (CMT2C). Identifiers: Orphanet 99937, MedGen C1853710, MONDO:0011633, OMIM 606071.

Submission:

Labcorp Genetics (formerly Invitae), Labcorp
Classification: Uncertain significance for Charcot-Marie-Tooth disease axonal type 2C. Last evaluated: 2022-05-30. Review status: criteria provided, single submitter. Criteria: Invitae Variant Classification Sherloc (09022015). Collection method: clinical testing. Allele origin: germline.
Comment: ClinVar contains an entry for this variant (Variation ID: 1498778). In summary, the available evidence is currently insufficient to determine the role of this variant in disease. Therefore, it has been classified as a Variant of Uncertain Significance. Advanced modeling of protein sequence and biophysical properties (such as structural, functional, and spatial information, amino acid conservation, physicochemical variation, residue mobility, and thermodynamic stability) performed at Invitae indicates that this missense variant is not expected to disrupt TRPV4 protein function. This variant has not been reported in the literature in individuals affected with TRPV4-related conditions. This variant is not present in population databases (gnomAD no frequency). This sequence change replaces leucine, which is neutral and non-polar, with phenylalanine, which is neutral and non-polar, at codon 170 of the TRPV4 protein (p.Leu170Phe).